The following is an entry in ClinVar:

ClinVar aggregate classification (germline): Uncertain significance. Review status: criteria provided, multiple submitters, no conflicts (2 of 4 stars). 2 submissions from 2 submitters: Uncertain significance (2). Last evaluated 2025-11-04.

Conditions:
Drash syndrome (DDS). Also called: NEPHROPATHY, WILMS TUMOR, AND GENITAL ANOMALIES; WILMS TUMOR AND PSEUDO- OR TRUE HERMAPHRODITISM. Identifiers: Orphanet 220, MedGen C0950121, MONDO:0008682, OMIM 194080.
Frasier syndrome. Identifiers: Orphanet 347, MedGen C0950122, MeSH D052159, MONDO:0007635, OMIM 136680.
Wilms tumor 1 (WT1). Also called: Wilms tumor, somatic. Identifiers: Orphanet 654, MedGen CN033288, MONDO:0008679, OMIM 194070.
11p partial monosomy syndrome (WAGR). Also called: CHROMOSOME 11p13 DELETION SYNDROME; WAGR syndrome; WAGR Complex; WAGR Spectrum Disorder. Identifiers: Orphanet 893, MedGen C0206115, MONDO:0008681, OMIM 194072.
Inborn genetic diseases. Identifiers: MedGen C0950123, MeSH D030342.

Allele frequency attached by ClinVar (database versions not stated): gnomAD exomes below 0.00001.
gnomAD v4.1: 1 of 1,610,782 alleles (0.000062%); highest among the groups gnomAD compares: South Asian, 0.0011%; no homozygotes.

Submissions (2):

Ambry Genetics
Classification: Uncertain significance for Inborn genetic diseases. Last evaluated: 2025-11-04. Review status: criteria provided, single submitter. Criteria: Ambry Variant Classification Scheme 2023. Collection method: clinical testing. Allele origin: germline.
Comment: The p.G269S variant (also known as c.805G>A), located in coding exon 3 of the WT1 gene, results from a G to A substitution at nucleotide position 805. The glycine at codon 269 is replaced by serine, an amino acid with similar properties. This amino acid position is highly conserved in available vertebrate species. In addition, this alteration is predicted to be deleterious by in silico analysis. Based on the available evidence, the clinical significance of this variant remains unclear.

Labcorp Genetics (formerly Invitae), Labcorp
Classification: Uncertain significance for Wilms tumor 1; Drash syndrome; 11p partial monosomy syndrome; Frasier syndrome. Last evaluated: 2024-04-15. Review status: criteria provided, single submitter. Criteria: Invitae Variant Classification Sherloc (09022015). Collection method: clinical testing. Allele origin: germline.
Comment: This sequence change replaces glycine, which is neutral and non-polar, with serine, which is neutral and polar, at codon 269 of the WT1 protein (p.Gly269Ser). This variant is not present in population databases (gnomAD no frequency). This variant has not been reported in the literature in individuals affected with WT1-related conditions. ClinVar contains an entry for this variant (Variation ID: 2098122). An algorithm developed to predict the effect of missense changes on protein structure and function (PolyPhen-2) suggests that this variant is likely to be disruptive. In summary, the available evidence is currently insufficient to determine the role of this variant in disease. Therefore, it has been classified as a Variant of Uncertain Significance.

NM_024426.6(WT1):c.820G>A (p.Gly274Ser)

Gene: WT1 (WT1 transcription factor; minus strand). Cytogenetic location: 11p13.
Variant type: single nucleotide variant.
Coding change: c.820G>A on transcript NM_024426.6 (MANE Select); coding-DNA position 820, G replaced by A.
Protein change: p.Gly274Ser; replaces glycine 274 with serine.
Molecular consequence: missense variant. On other transcripts: non-coding transcript variant (1).
Genome position (GRCh38, 1-based): chr11:32,428,023, C>T on the plus strand (G>A on the coding strand, the complement: WT1 is on the minus strand). VCF-style: chr11-32428023-C-T. GRCh37 (hg19) VCF-style: chr11-32449569-C-T.
Other names: c.820G>A, p.Gly274Ser (NM_000378.6, NM_001407044.1, NM_001407045.1 and 4 more transcripts); c.169G>A, p.Gly57Ser (NM_001198551.2, NM_001198552.2); c.697G>A, p.Gly233Ser (NM_001407047.1, NM_001407050.1); c.58G>A, p.Gly20Ser (NM_001407051.1); c.805G>A, p.Gly269Ser (NM_024425.2); c.805G>A (NM_024426.4); short protein forms G233S, G269S, G274S, G57S, G20S.
Identifiers: ClinVar variation 2098122 (VCV002098122.5), dbSNP rs2494426010, ClinGen allele CA379963059.
Genomic context (GRCh38, chr11:32,428,023, plus strand): 5'-AGGGCGTCCTCAGCAGCAAAGCCTGGCTGCCGGTGCAGCTGTCGGTGGGGGTGTGGCAGC[C>T]ATAGACCGGGGGCGGCACCGAGTACTGCTGCTCACCTGCAGAGAGAACCGAAGACAGCTG-3'
Protein context (NP_077744.4, residues 264-284): QQYSVPPPVY[Gly274Ser]CHTPTDSCTG